The following is an entry in ClinVar:

NM_000059.4(BRCA2):c.8384_8395del (p.Phe2795_Arg2799delinsTer)

Gene: BRCA2 (BRCA2 DNA repair associated; plus strand). Cytogenetic location: 13q13.1.
Variant type: Deletion.
Coding change: c.8384_8395del on transcript NM_000059.4 (MANE Select); coding-DNA positions 8384 to 8395, 12 bases deleted (TTCCTGACCCTA).
Protein change: p.Phe2795_Arg2799delinsTer.
Molecular consequence: nonsense.
Genome position (GRCh38, 1-based): chr13:32,370,454-32,370,465, TTCCTGACCCTA deleted. VCF-style (leftmost placement, unchanged base first): chr13-32370453-TTTCCTGACCCTA-T. GRCh37 (hg19) VCF-style: chr13-32944590-TTTCCTGACCCTA-T.
Other names: c.8384_8395delTTCCTGACCCTA (NM_000059.3).
Identifiers: ClinVar variation 141363 (VCV000141363.8), dbSNP rs587781689, ClinGen allele CA025618.
Genomic context (GRCh38, chr13:32,370,453, plus strand): 5'-TTTGTCCAGATTTCTGCTAACAGTACTCGGCCTGCTCGCTGGTATACCAAACTTGGATTC[TTTCCTGACCCTA>T]GACCTTTTCCTCTGCCCTTATCATCGCTTTTCAGTGATGGAGGAAATGTTGGTTGTGTTG-3'

ClinVar aggregate classification (germline): Pathogenic. Review status: reviewed by expert panel (3 of 4 stars). 3 submissions from 3 submitters: Pathogenic (1). 2 of the submissions do not count toward it. Last evaluated 2016-09-08.

Conditions:
Hereditary cancer-predisposing syndrome. Also called: Neoplastic Syndromes, Hereditary; Hereditary Cancer Syndrome; Hereditary neoplastic syndrome; Tumor predisposition. Identifiers: Orphanet 140162, MedGen C0027672, MeSH D009386, MONDO:0015356.
Breast-ovarian cancer, familial, susceptibility to, 2 (BROVCA2). Also called: BRCA2 Hereditary Breast and Ovarian Cancer. Identifiers: Orphanet 145, MedGen C2675520, MONDO:0012933, OMIM 612555. Disease mechanism: loss of function.

Submissions (3):

Evidence-based Network for the Interpretation of Germline Mutant Alleles (ENIGMA)
Classification: Pathogenic for Breast-ovarian cancer, familial, susceptibility to, 2. Last evaluated: 2016-09-08. Review status: reviewed by expert panel. Criteria: ENIGMA BRCA1/2 Classification Criteria (2015). Collection method: curation. Allele origin: germline.
Comment: Variant allele predicted to encode a truncated non-functional protein.

Ambry Genetics
Classification: Likely pathogenic for Hereditary cancer-predisposing syndrome. Last evaluated: 2025-03-05. Review status: criteria provided, single submitter. Criteria: Ambry Variant Classification Scheme 2023. Collection method: clinical testing. Allele origin: germline. Not counted in ClinVar's aggregate classification.
Comment: The c.8384_8395del12 variant (also known as p.F2795_P2798del) is located in coding exon 18 of the BRCA2 gene. This variant results from an in-frame TTCCTGACCCTA deletion at nucleotide positions 8384 to 8395. This variant results from an in-frame deletion of 12 nucleotides at positions 8384 to 8395 and the removal of 4 amino acids at codons 2795 to 2798. This amino acid region is not well conserved in available vertebrate species. This alteration was non-functional in a homology-directed DNA repair (HDR) assay (Ambry internal data). This variant was not reported in population-based cohorts in the Genome Aggregation Database (gnomAD) (Lek M et al. Nature, 2016 08;536:285-91). In addition, this alteration is predicted to be deleterious by in silico analysis (Choi Y et al. PLoS ONE. 2012; 7(10):e46688). Based on the majority of available evidence to date, this variant is likely to be pathogenic.

Myriad Genetics, Inc.
Classification: Pathogenic for Breast-ovarian cancer, familial, susceptibility to, 2. Last evaluated: 2023-03-21. Review status: criteria provided, single submitter. Criteria: Myriad Autosomal Dominant, Autosomal Recessive and X-Linked Classification Criteria (2023). Collection method: clinical testing. Allele origin: unknown. Not counted in ClinVar's aggregate classification.
Comment: This variant is considered pathogenic. This variant creates a termination codon and is predicted to result in premature protein truncation.